The following is an entry in ClinVar:

NM_016553.5(NUP62):c.622C>G (p.Pro208Ala)

Genes: IL4I1 (interleukin 4 induced 1; minus strand), NUP62 (nucleoporin 62; minus strand). Cytogenetic location: 19q13.33.
Variant type: single nucleotide variant.
Coding change: c.622C>G on transcript NM_016553.5 (MANE Select); coding-DNA position 622, C replaced by G.
Protein change: p.Pro208Ala; replaces proline 208 with alanine.
Molecular consequence: missense variant. On other transcripts: intron variant (3).
Genome position (GRCh38, 1-based): chr19:49,909,186, G>C on the plus strand (C>G on the coding strand, the complement: NUP62 is on the minus strand). VCF-style: chr19-49909186-G-C. GRCh37 (hg19) VCF-style: chr19-50412443-G-C.
Other names: c.622C>G, p.Pro208Ala (NM_001193357.2, NM_012346.5, NM_153718.4 and 1 more transcripts); c.-227-4865C>G (NM_001258017.2, NM_172374.3); c.-285-4865C>G (NM_001258018.2); short protein forms P208A.
Identifiers: ClinVar variation 1401890 (VCV001401890.8), dbSNP rs768832419, ClinGen allele CA9589095.

ClinVar aggregate classification (germline): Uncertain significance. Review status: criteria provided, multiple submitters, no conflicts (2 of 4 stars). 2 submissions from 2 submitters: Uncertain significance (2). Last evaluated 2025-02-16.

Allele frequency attached by ClinVar (database versions not stated): gnomAD exomes 0.00007 and 0.00008; gnomAD 0.00010 and 0.00007; TOPMed 0.00010; ExAC 0.00006.
gnomAD v4.1: 123 of 1,613,702 alleles (0.0076%); highest among the groups gnomAD compares: Non-Finnish European, 0.0097%; no homozygotes.

Submissions (2):

Labcorp Genetics (formerly Invitae), Labcorp
Classification: Uncertain significance. Last evaluated: 2025-02-16. Review status: criteria provided, single submitter. Criteria: Invitae Variant Classification Sherloc (09022015). Collection method: clinical testing. Allele origin: germline.
Comment: This sequence change replaces proline, which is neutral and non-polar, with alanine, which is neutral and non-polar, at codon 208 of the NUP62 protein (p.Pro208Ala). This variant is present in population databases (rs768832419, gnomAD 0.01%). This variant has not been reported in the literature in individuals affected with NUP62-related conditions. ClinVar contains an entry for this variant (Variation ID: 1401890). An algorithm developed to predict the effect of missense changes on protein structure and function outputs the following: PolyPhen-2: "Benign". The alanine amino acid residue is found in multiple mammalian species, which suggests that this missense change does not adversely affect protein function. In summary, the available evidence is currently insufficient to determine the role of this variant in disease. Therefore, it has been classified as a Variant of Uncertain Significance.

Ambry Genetics
Classification: Uncertain significance. Last evaluated: 2023-11-14. Review status: criteria provided, single submitter. Criteria: Ambry Variant Classification Scheme 2023. Collection method: clinical testing. Allele origin: germline.